The following is an entry in ClinVar:

NM_001360016.2(G6PD):c.1493G>A (p.Arg498Lys)

Gene: G6PD (glucose-6-phosphate dehydrogenase; minus strand). Cytogenetic location: Xq28.
Variant type: single nucleotide variant.
Coding change: c.1493G>A on transcript NM_001360016.2 (MANE Select); coding-DNA position 1493, G replaced by A.
Protein change: p.Arg498Lys; replaces arginine 498 with lysine.
Molecular consequence: missense variant.
Genome position (GRCh38, 1-based): chrX:154,532,055, C>T on the plus strand (G>A on the coding strand, the complement: G6PD is on the minus strand). VCF-style: chrX-154532055-C-T. GRCh37 (hg19) VCF-style: chrX-153760270-C-T.
Other names: c.1583G>A, p.Arg528Lys (NM_000402.4); c.1493G>A, p.Arg498Lys (NM_001042351.3); short protein forms R528K, R498K.
Identifiers: ClinVar variation 3646381 (VCV003646381.2).

ClinVar aggregate classification (germline): Uncertain significance (1 of 4 stars; one submission).

Conditions:
Anemia, nonspherocytic hemolytic, due to G6PD deficiency (CNSHA1). Also called: Class I glucose-6-phosphate dehydrogenase deficiency; Favism, susceptibility to; ANEMIA, CONGENITAL, NONSPHEROCYTIC HEMOLYTIC, 1; Hemolytic anemia due to G6PD deficiency. Identifiers: Orphanet 466026, MedGen C2720289, MONDO:0010480, OMIM 300908.

Submission:

Labcorp Genetics (formerly Invitae), Labcorp
Classification: Uncertain significance for Anemia, nonspherocytic hemolytic, due to G6PD deficiency. Last evaluated: 2024-03-18. Review status: criteria provided, single submitter. Criteria: Invitae Variant Classification Sherloc (09022015). Collection method: clinical testing. Allele origin: germline.
Comment: This sequence change replaces arginine, which is basic and polar, with lysine, which is basic and polar, at codon 498 of the G6PD protein (p.Arg498Lys). This variant is not present in population databases (gnomAD no frequency). This variant has not been reported in the literature in individuals affected with G6PD-related conditions. Advanced modeling of protein sequence and biophysical properties (such as structural, functional, and spatial information, amino acid conservation, physicochemical variation, residue mobility, and thermodynamic stability) performed at Invitae indicates that this missense variant is not expected to disrupt G6PD protein function with a negative predictive value of 80%. In summary, the available evidence is currently insufficient to determine the role of this variant in disease. Therefore, it has been classified as a Variant of Uncertain Significance.